The following is an entry in ClinVar:

NM_000374.5(UROD):c.385T>C (p.Ser129Pro)

Gene: UROD (uroporphyrinogen decarboxylase; plus strand). Cytogenetic location: 1p34.1.
Variant type: single nucleotide variant.
Coding change: c.385T>C on transcript NM_000374.5 (MANE Select); coding-DNA position 385, T replaced by C.
Protein change: p.Ser129Pro; replaces serine 129 with proline.
Molecular consequence: missense variant. On other transcripts: non-coding transcript variant (3).
Genome position (GRCh38, 1-based): chr1:45,013,702, T>C. VCF-style: chr1-45013702-T-C. GRCh37 (hg19) VCF-style: chr1-45479374-T-C.
Other names: short protein forms S129P.
Identifiers: ClinVar variation 4705340 (VCV004705340.1).

ClinVar aggregate classification (germline): Uncertain significance (1 of 4 stars; one submission).

gnomAD v4.1: 8 of 1,614,130 alleles (0.0005%); highest among the groups gnomAD compares: Non-Finnish European, 0.00068%; no homozygotes.

Submission:

Labcorp Genetics (formerly Invitae), Labcorp
Classification: Uncertain significance. Last evaluated: 2025-11-04. Review status: criteria provided, single submitter. Criteria: Invitae Variant Classification Sherloc (09022015). Collection method: clinical testing. Allele origin: germline.
Comment: This sequence change replaces serine, which is neutral and polar, with proline, which is neutral and non-polar, at codon 129 of the UROD protein (p.Ser129Pro). This variant is not present in population databases (gnomAD no frequency). This variant has not been reported in the literature in individuals affected with UROD-related conditions. Invitae Evidence Modeling of protein sequence and biophysical properties (such as structural, functional, and spatial information, amino acid conservation, physicochemical variation, residue mobility, and thermodynamic stability) indicates that this missense variant is not expected to disrupt UROD protein function with a negative predictive value of 80%. In summary, the available evidence is currently insufficient to determine the role of this variant in disease. Therefore, it has been classified as a Variant of Uncertain Significance.